The following is an entry in ClinVar:

ClinVar aggregate classification (germline): Conflicting classifications of pathogenicity. Review status: criteria provided, conflicting classifications (1 of 4 stars). 2 submissions from 2 submitters: Uncertain significance (1); Likely benign (1). Last evaluated 2025-01-22.

Conditions:
Inborn genetic diseases. Identifiers: MedGen C0950123, MeSH D030342.

gnomAD v4.1: 2 of 1,613,654 alleles (0.00012%); highest among the groups gnomAD compares: Non-Finnish European, 0.00017%; no homozygotes.

Submissions (2):

Ambry Genetics
Classification: Likely benign for Inborn genetic diseases. Last evaluated: 2025-01-22. Review status: criteria provided, single submitter. Criteria: Ambry Variant Classification Scheme 2023. Collection method: clinical testing. Allele origin: germline.

Labcorp Genetics (formerly Invitae), Labcorp
Classification: Uncertain significance. Last evaluated: 2021-12-19. Review status: criteria provided, single submitter. Criteria: Invitae Variant Classification Sherloc (09022015). Collection method: clinical testing. Allele origin: germline.
Comment: This sequence change replaces valine, which is neutral and non-polar, with isoleucine, which is neutral and non-polar, at codon 215 of the HPS6 protein (p.Val215Ile). This variant is not present in population databases (gnomAD no frequency). This variant has not been reported in the literature in individuals affected with HPS6-related conditions. Algorithms developed to predict the effect of missense changes on protein structure and function output the following: SIFT: "Tolerated"; PolyPhen-2: "Benign"; Align-GVGD: "Class C0". The isoleucine amino acid residue is found in multiple mammalian species, which suggests that this missense change does not adversely affect protein function. In summary, the available evidence is currently insufficient to determine the role of this variant in disease. Therefore, it has been classified as a Variant of Uncertain Significance.

NM_024747.6(HPS6):c.643G>A (p.Val215Ile)

Gene: HPS6 (HPS6 biogenesis of lysosomal organelles complex 2 subunit 3; plus strand). Cytogenetic location: 10q24.32.
Variant type: single nucleotide variant.
Coding change: c.643G>A on transcript NM_024747.6 (MANE Select); coding-DNA position 643, G replaced by A.
Protein change: p.Val215Ile; replaces valine 215 with isoleucine.
Molecular consequence: missense variant.
Genome position (GRCh38, 1-based): chr10:102,066,117, G>A. VCF-style: chr10-102066117-G-A. GRCh37 (hg19) VCF-style: chr10-103825874-G-A.
Other names: short protein forms V215I.
Identifiers: ClinVar variation 1967742 (VCV001967742.3), dbSNP rs369389149, ClinGen allele CA377858197.